The following is an entry in ClinVar:

ClinVar aggregate classification (germline): Uncertain significance. Review status: criteria provided, multiple submitters, no conflicts (2 of 4 stars). 2 submissions from 2 submitters: Uncertain significance (2). Last evaluated 2022-08-31.

Conditions:
Inborn genetic diseases. Identifiers: MedGen C0950123, MeSH D030342.

Allele frequency attached by ClinVar (database versions not stated): gnomAD exomes 0.00004; gnomAD 0.00005; TOPMed 0.00006.
gnomAD v4.1: 73 of 1,574,948 alleles (0.0046%); highest among the groups gnomAD compares: African/African-American, 0.018%; no homozygotes.

Submissions (2):

Labcorp Genetics (formerly Invitae), Labcorp
Classification: Uncertain significance. Last evaluated: 2022-08-31. Review status: criteria provided, single submitter. Criteria: Invitae Variant Classification Sherloc (09022015). Collection method: clinical testing. Allele origin: germline.
Comment: This sequence change replaces alanine, which is neutral and non-polar, with valine, which is neutral and non-polar, at codon 193 of the SLC34A3 protein (p.Ala193Val). This variant is present in population databases (rs113422427, gnomAD 0.006%). This variant has not been reported in the literature in individuals affected with SLC34A3-related conditions. Algorithms developed to predict the effect of missense changes on protein structure and function (SIFT, PolyPhen-2, Align-GVGD) all suggest that this variant is likely to be tolerated. In summary, the available evidence is currently insufficient to determine the role of this variant in disease. Therefore, it has been classified as a Variant of Uncertain Significance.

Ambry Genetics
Classification: Uncertain significance for Inborn genetic diseases. Last evaluated: 2021-07-27. Review status: criteria provided, single submitter. Criteria: Ambry Variant Classification Scheme 2023. Collection method: clinical testing. Allele origin: germline.

NM_001177316.2(SLC34A3):c.578C>T (p.Ala193Val)

Gene: SLC34A3 (solute carrier family 34 member 3; plus strand). Cytogenetic location: 9q34.3.
Variant type: single nucleotide variant.
Coding change: c.578C>T on transcript NM_001177316.2 (MANE Select); coding-DNA position 578, C replaced by T.
Protein change: p.Ala193Val; replaces alanine 193 with valine.
Molecular consequence: missense variant.
Genome position (GRCh38, 1-based): chr9:137,233,226, C>T. VCF-style: chr9-137233226-C-T. GRCh37 (hg19) VCF-style: chr9-140127678-C-T.
Other names: c.578C>T, p.Ala193Val (NM_001177317.2, NM_080877.3); short protein forms A193V.
Identifiers: ClinVar variation 1929322 (VCV001929322.3), dbSNP rs113422427, ClinGen allele CA5364494.